The following is an entry in ClinVar:

ClinVar aggregate classification (germline): Uncertain significance (1 of 4 stars; one submission).

Conditions:
Inborn genetic diseases. Identifiers: MedGen C0950123, MeSH D030342.

Submission:

Ambry Genetics
Classification: Uncertain significance for Inborn genetic diseases. Last evaluated: 2025-01-03. Review status: criteria provided, single submitter. Criteria: Ambry Variant Classification Scheme 2023. Collection method: clinical testing. Allele origin: germline.
Comment: The p.Q317E variant (also known as c.949C>G), located in coding exon 5 of the FANCM gene, results from a C to G substitution at nucleotide position 949. The glutamine at codon 317 is replaced by glutamic acid, an amino acid with highly similar properties. This amino acid position is conserved. In addition, this alteration is predicted to be tolerated by in silico analysis. Based on the available evidence, the clinical significance of this variant remains unclear.

NM_020937.4(FANCM):c.949C>G (p.Gln317Glu)

Gene: FANCM (FA complementation group M; plus strand). Cytogenetic location: 14q21.2.
Variant type: single nucleotide variant.
Coding change: c.949C>G on transcript NM_020937.4 (MANE Select); coding-DNA position 949, C replaced by G.
Protein change: p.Gln317Glu; replaces glutamine 317 with glutamic acid.
Molecular consequence: missense variant.
Genome position (GRCh38, 1-based): chr14:45,151,427, C>G. VCF-style: chr14-45151427-C-G. GRCh37 (hg19) VCF-style: chr14-45620630-C-G.
Other names: c.871C>G, p.Gln291Glu (NM_001308133.2); c.949C>G, p.Gln317Glu (NM_001308134.2); short protein forms Q317E, Q291E.
Identifiers: ClinVar variation 3848577 (VCV003848577.1).